The following is an entry in ClinVar:

NM_016333.4(SRRM2):c.8086G>A (p.Val2696Met)

Gene: SRRM2 (serine/arginine repetitive matrix 2; plus strand). Cytogenetic location: 16p13.3.
Variant type: single nucleotide variant.
Coding change: c.8086G>A on transcript NM_016333.4 (MANE Select); coding-DNA position 8086, G replaced by A.
Protein change: p.Val2696Met; replaces valine 2696 with methionine.
Molecular consequence: missense variant.
Genome position (GRCh38, 1-based): chr16:2,770,416, G>A. VCF-style: chr16-2770416-G-A. GRCh37 (hg19) VCF-style: chr16-2820417-G-A.
Other names: short protein forms V2696M.
Identifiers: ClinVar variation 3369909 (VCV003369909.2).
Genomic context (GRCh38, chr16:2,770,416, plus strand): 5'-CGCAGCCCCCGGAAGCCAATAGACTCCCTCAGGGACTCTCGGTCCCTCAGCTACTCGCCT[G>A]TGGAGCGTCGCCGTCCCTCGCCCCAGCCCTCACCACGGGACCAGCAGAGGTAAGGCCAAC-3'
Protein context (NP_057417.3, residues 2686-2706): RDSRSLSYSP[Val2696Met]ERRRPSPQPS

ClinVar aggregate classification (germline): Uncertain significance (1 of 4 stars; one submission).

Submission:

GeneDx
Classification: Uncertain significance. Last evaluated: 2026-09-03. Review status: criteria provided, single submitter. Criteria: GeneDx Variant Classification Process June 2021. Collection method: clinical testing. Allele origin: germline.
Comment: Not observed at significant frequency in large population cohorts (gnomAD); In silico analysis suggests that this missense variant does not alter protein structure/function; Has not been previously published as pathogenic or benign to our knowledge